The following is an entry in ClinVar:

ClinVar aggregate classification (germline): Pathogenic (1 of 4 stars; one submission).

Conditions:
Supravalvar aortic stenosis (SVAS). Also called: Supravalvar aortic stenosis, Eisenberg type. Identifiers: Orphanet 3193, MedGen C0003499, MONDO:0008504, OMIM 185500, HP:0004381.

Submission:

Labcorp Genetics (formerly Invitae), Labcorp
Classification: Pathogenic for Supravalvar aortic stenosis. Last evaluated: 2024-01-01. Review status: criteria provided, single submitter. Criteria: Invitae Variant Classification Sherloc (09022015). Collection method: clinical testing. Allele origin: germline.
Comment: This sequence change creates a premature translational stop signal (p.Glu371Lysfs*93) in the ELN gene. It is expected to result in an absent or disrupted protein product. Loss-of-function variants in ELN are known to be pathogenic (PMID: 11175284). This variant is not present in population databases (gnomAD no frequency). This variant has not been reported in the literature in individuals affected with ELN-related conditions. For these reasons, this variant has been classified as Pathogenic.

Literature cited by the submitters: PubMed 11175284.

NM_000501.4(ELN):c.1111del (p.Glu371fs)

Gene: ELN (elastin; plus strand). Cytogenetic location: 7q11.23.
Variant type: Deletion.
Coding change: c.1111del on transcript NM_000501.4 (MANE Select); coding-DNA position 1111, one base deleted (G; older notation c.1111delG).
Protein change: p.Glu371fs; shifts the reading frame from glutamic acid 371.
Molecular consequence: frameshift variant.
Genome position (GRCh38, 1-based): chr7:74,054,730, G deleted. VCF-style (leftmost placement, unchanged base first): chr7-74054729-AG-A. GRCh37 (hg19) VCF-style: chr7-73469059-AG-A.
Other names: c.1081del, p.Glu361fs (NM_001081752.3, NM_001278917.2); c.1126del, p.Glu376fs (NM_001081753.3, NM_001081754.3); c.1111del, p.Glu371fs (NM_001081755.3, NM_001278912.2, NM_001278915.2 and 1 more transcripts); c.1003del, p.Glu335fs (NM_001278913.2); c.1096del, p.Glu366fs (NM_001278914.2); c.1069del, p.Glu357fs (NM_001278916.2); c.979del, p.Glu327fs (NM_001278918.2); short protein forms E327fs, E361fs, E335fs, E376fs, E357fs, E366fs, E371fs.
Identifiers: ClinVar variation 2706957 (VCV002706957.3), dbSNP rs2485967112, ClinGen allele CA2697557330.